The following is an entry in ClinVar:

ClinVar aggregate classification (germline): Pathogenic (1 of 4 stars; one submission).

Conditions:
LAMA5-related disorder. Also called: LAMA5-related condition; LAMA5-Related Disorders.

Submission:

Women's Health and Genetics/Laboratory Corporation of America, LabCorp
Classification: Pathogenic for LAMA5-Related Disorders. Last evaluated: 2025-11-06. Review status: criteria provided, single submitter. Criteria: LabCorp Variant Classification Summary - May 2015. Collection method: clinical testing. Allele origin: germline.
Comment: Variant summary: LAMA5 c.2341_2342delAG (p.Arg781GlyfsX8) results in a premature termination codon, predicted to cause a truncation of the encoded protein or absence of the protein due to nonsense mediated decay, which are commonly known mechanisms for disease. The variant was absent in 249442 control chromosomes. To our knowledge, no occurrence of c.2341_2342delAG in individuals affected with LAMA5-related conditions and no experimental evidence demonstrating its impact on protein function have been reported. No submitters have cited clinical-significance assessments for this variant to ClinVar. Based on the evidence outlined above, the variant was classified as pathogenic.

NM_005560.6(LAMA5):c.2341_2342del (p.Arg781fs)

Gene: LAMA5 (laminin subunit alpha 5; minus strand). Cytogenetic location: 20q13.33.
Variant type: Deletion.
Coding change: c.2341_2342del on transcript NM_005560.6 (MANE Select); coding-DNA positions 2341 to 2342, 2 bases deleted (AG; older notation c.2341_2342delAG).
Protein change: p.Arg781fs; shifts the reading frame from arginine 781.
Molecular consequence: frameshift variant.
Genome position (GRCh38, 1-based): chr20:62,335,251-62,335,252, CT deleted on the plus strand (AG on the coding strand, the reverse complement: LAMA5 is on the minus strand). VCF-style (leftmost placement, unchanged base first): chr20-62335250-CCT-C. GRCh37 (hg19) VCF-style: chr20-60910306-CCT-C.
Other names: c.2341_2342delAG (NM_005560.6); short protein forms R781fs.
Identifiers: ClinVar variation 4537018 (VCV004537018.1).